The following is an entry in ClinVar:

ClinVar aggregate classification (germline): Benign. Review status: criteria provided, multiple submitters, no conflicts (2 of 4 stars). 10 submissions from 10 submitters: Benign (7). 3 of the submissions do not count toward it. Last evaluated 2026-06-28.

Conditions:
Methylmalonic acidemia (MMA). Also called: Isolated Methylmalonic Acidemia. Identifiers: MedGen C0268583, MeSH C537358, MONDO:0002012, HP:0002912.
Combined malonic and methylmalonic acidemia. Identifiers: Orphanet 289504, MedGen C3280314, MONDO:0013661, OMIM 614265.

Allele frequency attached by ClinVar (database versions not stated): 1000 Genomes Project 0.61981; 1000 Genomes Project 30x 0.62867; ExAC 0.71050; gnomAD 0.71311 and 0.72026; TOPMed 0.71379; ESP Exome Variant Server 0.72245.

Submissions (10):

Women's Health and Genetics/Laboratory Corporation of America, LabCorp
Classification: Benign. Last evaluated: 2026-06-28. Review status: criteria provided, single submitter. Criteria: LabCorp Variant Classification Summary - May 2015. Collection method: clinical testing. Allele origin: germline.

Labcorp Genetics (formerly Invitae), Labcorp
Classification: Benign for Combined malonic and methylmalonic acidemia. Last evaluated: 2026-02-04. Review status: criteria provided, single submitter. Criteria: Invitae Variant Classification Sherloc (09022015). Collection method: clinical testing. Allele origin: germline.

Blueprint Genetics
Classification: Benign. Last evaluated: 2024-11-27. Review status: criteria provided, single submitter. Criteria: ACMG Guidelines, 2015. Collection method: clinical testing. Allele origin: germline.

Mayo Clinic Laboratories, Mayo Clinic
Classification: Benign. Last evaluated: 2022-03-31. Review status: criteria provided, single submitter. Criteria: ACMG Guidelines, 2015. Collection method: clinical testing. Allele origin: germline. Observed: 94 variant alleles.

Genome-Nilou Lab
Classification: Benign for Combined malonic and methylmalonic acidemia. Last evaluated: 2021-07-01. Review status: criteria provided, single submitter. Criteria: ACMG Guidelines, 2015. Collection method: clinical testing. Allele origin: germline. Affected: no.

GeneDx
Classification: Benign. Last evaluated: 2013-05-29. Review status: criteria provided, single submitter. Criteria: GeneDx Variant Classification (06012015). Collection method: clinical testing. Allele origin: germline. Affected: yes.
Comment: This variant is considered likely benign or benign based on one or more of the following criteria: it is a conservative change, it occurs at a poorly conserved position in the protein, it is predicted to be benign by multiple in silico algorithms, and/or has population frequency not consistent with disease.

Breakthrough Genomics
Classification: Benign. Review status: criteria provided, single submitter. Criteria: ACMG Guidelines, 2015. Collection method: not provided. Allele origin: germline. Inheritance: Unknown mechanism. Affected: yes.

Natera, Inc.
Classification: Benign for Methylmalonic acidemia. Last evaluated: 2020-09-16. Review status: no assertion criteria provided. Collection method: clinical testing. Allele origin: germline. Not counted in ClinVar's aggregate classification.

Diagnostic Laboratory, Department of Genetics, University Medical Center Groningen
Classification: Benign. Review status: no assertion criteria provided. Collection method: clinical testing. Allele origin: germline. Affected: yes. Study: VKGL Data-share Consensus. Not counted in ClinVar's aggregate classification.

Joint Genome Diagnostic Labs from Nijmegen and Maastricht, Radboudumc and MUMC+
Classification: Benign. Review status: no assertion criteria provided. Collection method: clinical testing. Allele origin: germline. Affected: yes. Study: VKGL Data-share Consensus. Not counted in ClinVar's aggregate classification.

NM_001243279.3(ACSF3):c.342G>C (p.Ala114=)

Gene: ACSF3 (acyl-CoA synthetase family member 3; plus strand). Cytogenetic location: 16q24.3.
Variant type: single nucleotide variant.
Coding change: c.342G>C on transcript NM_001243279.3 (MANE Select); coding-DNA position 342, G replaced by C.
Protein change: p.Ala114=; no amino-acid change (alanine 114 retained).
Molecular consequence: synonymous variant. On other transcripts: non-coding transcript variant (3), intron variant (1).
Genome position (GRCh38, 1-based): chr16:89,101,023, G>C. VCF-style: chr16-89101023-G-C. GRCh37 (hg19) VCF-style: chr16-89167431-G-C.
Other names: p.A114A:GCG>GCC; p.Ala114=; c.342G>C, p.Ala114= (NM_001127214.4, NM_174917.5); c.-129-1581G>C (NM_001284316.2).
Identifiers: ClinVar variation 136274 (VCV000136274.23), dbSNP rs6500527, ClinGen allele CA289278.